The following is an entry in ClinVar:

ClinVar aggregate classification (germline): Likely benign (0 of 4 stars; one submission).

Conditions:
RPGRIP1-related disorder. Also called: RPGRIP1-related condition.

Submission:

PreventionGenetics, part of Exact Sciences
Classification: Likely benign for RPGRIP1-related condition. Last evaluated: 2021-12-15. Review status: no assertion criteria provided. Collection method: clinical testing. Allele origin: germline.
Comment: This variant is classified as likely benign based on ACMG/AMP sequence variant interpretation guidelines (Richards et al. 2015 PMID: 25741868, with internal and published modifications).

NM_020366.4(RPGRIP1):c.2367+21A>G

Gene: RPGRIP1 (RPGR interacting protein 1; plus strand). Cytogenetic location: 14q11.2.
Variant type: single nucleotide variant.
Coding change: c.2367+21A>G on transcript NM_020366.4 (MANE Select); 21 bases into the intron after coding-DNA position 2367, A replaced by G.
Molecular consequence: intron variant.
Genome position (GRCh38, 1-based): chr14:21,325,404, A>G. VCF-style: chr14-21325404-A-G. GRCh37 (hg19) VCF-style: chr14-21793563-A-G.
Other names: c.1293+21A>G (NM_001377948.1); c.796+679A>G (NM_001377949.1); c.689-2219A>G (NM_001377523.1, NM_001377950.1); c.191-2219A>G (NM_001377951.1).
Identifiers: ClinVar variation 3029778 (VCV003029778.2), dbSNP rs2502819324, ClinGen allele CA2740097707.